The following is an entry in ClinVar:

ClinVar aggregate classification (germline): Pathogenic (1 of 4 stars; one submission).

Conditions:
Joubert syndrome. Also called: JOUBERT-BOLTSHAUSER SYNDROME; Familial aplasia of the vermis. Identifiers: Orphanet 475, MedGen C5979921, MONDO:0018772.
Meckel-Gruber syndrome. Also called: DYSENCEPHALIA SPLANCHNOCYSTICA; GRUBER SYNDROME; Dysencephalia splachnocystica. Identifiers: Orphanet 564, MedGen C0265215, MONDO:0018921.

Submission:

Labcorp Genetics (formerly Invitae), Labcorp
Classification: Pathogenic for Joubert syndrome; Meckel-Gruber syndrome. Last evaluated: 2023-01-06. Review status: criteria provided, single submitter. Criteria: Invitae Variant Classification Sherloc (09022015). Collection method: clinical testing. Allele origin: germline.
Comment: This sequence change creates a premature translational stop signal (p.Phe1299*) in the CC2D2A gene. It is expected to result in an absent or disrupted protein product. Loss-of-function variants in CC2D2A are known to be pathogenic (PMID: 19777577). This variant is not present in population databases (gnomAD no frequency). This variant has not been reported in the literature in individuals affected with CC2D2A-related conditions. Algorithms developed to predict the effect of sequence changes on RNA splicing suggest that this variant may create or strengthen a splice site. For these reasons, this variant has been classified as Pathogenic.

Literature cited by the submitters: PubMed 19777577.

NM_001378615.1(CC2D2A):c.3896_3920del (p.Val1298_Phe1299insTer)

Genes: CC2D2A (coiled-coil and C2 domain containing 2A; plus strand), FBXL5 (F-box and leucine rich repeat protein 5; minus strand). Cytogenetic location: 4p15.32.
Variant type: Deletion.
Coding change: c.3896_3920del on transcript NM_001378615.1 (MANE Select); coding-DNA positions 3896 to 3920, 25 bases deleted (TTATCACACGTTATCTCAAACCTTT).
Protein change: p.Val1298_Phe1299insTer.
Molecular consequence: nonsense.
Genome position (GRCh38, 1-based): chr4:15,580,092-15,580,116, TTATCACACGTTATCTCAAACCTTT deleted; deleting any 25 consecutive bases within chr4:15,580,089-15,580,116 gives the same sequence; the c. name uses the placement nearest the transcript's 3' end. VCF-style (leftmost placement, unchanged base first): chr4-15580088-GTTTTTATCACACGTTATCTCAAACC-G. GRCh37 (hg19) VCF-style: chr4-15581711-GTTTTTATCACACGTTATCTCAAACC-G.
Other names: c.3896_3920del, p.Val1298_Phe1299insTer (NM_001080522.2); c.3749_3773del, p.Val1249_Phe1250insTer (NM_001378617.1).
Identifiers: ClinVar variation 2942960 (VCV002942960.3), dbSNP rs2475106281, ClinGen allele CA2740091253.